The following is an entry in ClinVar:

ClinVar aggregate classification (germline): Pathogenic (0 of 4 stars; one submission).

Submission:

Quest Diagnostics Nichols Institute San Juan Capistrano
Classification: Pathogenic. Last evaluated: 2021-05-01. Review status: no assertion criteria provided. Collection method: clinical testing. Allele origin: germline.
Comment: The proximal chromosome 22q11.21 deletion (LCR22-A and -C) is associated with the chromosome 22q11.2 deletion syndrome (a.k.a., Velocardiofacial syndrome (VCFS) or DiGeorge syndrome (DGS) (OMIM #192430 and #188400). Haploinsufficiency of the TBX1 gene in particular is responsible for most of the clinical features of DiGeorge syndrome. Individuals with chromosome 22q11.21 deletion syndrome have a range of phenotypic findings, including congenital heart defects, particularly conotruncal malformations (tetralogy of Fallot, interrupted aortic arch, ventricular septal defect, and truncus arteriosus), palatal abnormalities, characteristic facial features, learning difficulties, and immune deficiency (GeneReviews [Internet].

GRCh37/hg19 22q11.21(chr22:18916842-21011216)x1

Genes: ARVCF (ARVCF delta catenin family member; minus strand), C22orf39 (chromosome 22 open reading frame 39; minus strand), CDC45 (cell division cycle 45; plus strand), CLDN5 (claudin 5; minus strand), CLTCL1 (clathrin heavy chain like 1; minus strand) and 32 more. Cytogenetic location: 22q11.21.
Variant type: copy number loss.
Change: copy number 1 (one copy instead of two) of chr22:18,916,842-21,011,216 (2.09 Mb, GRCh37 coordinates, 1-based), cytogenetic band 22q11.21.
Identifiers: ClinVar variation 980804 (VCV000980804.2).